The following is an entry in ClinVar:

NM_006031.6(PCNT):c.3762G>A (p.Gln1254=)

Gene: PCNT (pericentrin; plus strand). Cytogenetic location: 21q22.3.
Variant type: single nucleotide variant.
Coding change: c.3762G>A on transcript NM_006031.6 (MANE Select); coding-DNA position 3762, G replaced by A.
Protein change: p.Gln1254=; no amino-acid change (glutamine 1254 retained).
Molecular consequence: synonymous variant.
Genome position (GRCh38, 1-based): chr21:46,389,353, G>A. VCF-style: chr21-46389353-G-A. GRCh37 (hg19) VCF-style: chr21-47809268-G-A.
Other names: c.3408G>A, p.Gln1136= (NM_001315529.2).
Identifiers: ClinVar variation 340487 (VCV000340487.30), dbSNP rs886057184, ClinGen allele CA10653735.
Genomic context (GRCh38, chr21:46,389,353, plus strand): 5'-TAGCAGCCACATGCGTGAAAGCTTTCTCATGAGCCCAGAAAGTGTGCGGGAGTGTGAGCA[G>A]CCCATCCGGAGGGTCTTCCAGAGCCTCAGCCTGGCCGTGGACGGCCTCATGGAGATGGCC-3'
Protein context (NP_006022.3, residues 1244-1264): MSPESVRECE[Gln1254=]PIRRVFQSLS

ClinVar aggregate classification (germline): Conflicting classifications of pathogenicity. Review status: criteria provided, conflicting classifications (1 of 4 stars). 3 submissions from 3 submitters: Uncertain significance (1); Likely benign (2). Last evaluated 2024-02-16.

Conditions:
Microcephalic osteodysplastic primordial dwarfism type II (MOPD2). Also called: OSTEODYSPLASTIC PRIMORDIAL DWARFISM, TYPE II; Microcephalic osteodysplastic primordial dwarfism with tooth abnormalities; MOPD II. Identifiers: Orphanet 2637, MedGen C0432246, MONDO:0008872, OMIM 210720.

Allele frequency attached by ClinVar (database versions not stated): gnomAD exomes below 0.00001.
gnomAD v4.1: 1 of 1,614,212 alleles (0.000062%); highest among the groups gnomAD compares: Non-Finnish European, 0.000085%; no homozygotes.

Submissions (3):

Labcorp Genetics (formerly Invitae), Labcorp
Classification: Likely benign. Last evaluated: 2024-02-16. Review status: criteria provided, single submitter. Criteria: Invitae Variant Classification Sherloc (09022015). Collection method: clinical testing. Allele origin: germline.

CeGaT Center for Human Genetics Tuebingen
Classification: Likely benign. Last evaluated: 2023-12-01. Review status: criteria provided, single submitter. Criteria: CeGaT Center For Human Genetics Tuebingen Variant Classification Criteria Version 2. Collection method: clinical testing. Allele origin: germline. Affected: yes. Observed: 1 variant allele.
Comment: PCNT: PM2:Supporting, BP4, BP7

Illumina Laboratory Services, Illumina
Classification: Uncertain significance for Microcephalic osteodysplastic primordial dwarfism type II. Last evaluated: 2018-01-13. Review status: criteria provided, single submitter. Criteria: ICSL Variant Classification Criteria 13 December 2019. Collection method: clinical testing. Allele origin: germline.